The following is an entry in ClinVar:

ClinVar aggregate classification (germline): Pathogenic (1 of 4 stars; one submission).

Conditions:
Oculodentodigital dysplasia, autosomal recessive. Also called: OCULODENTOOSSEOUS DYSPLASIA, AUTOSOMAL RECESSIVE; ODDD, AUTOSOMAL RECESSIVE; ODOD, AUTOSOMAL RECESSIVE. Identifiers: Orphanet 2710, MedGen C2749477, MONDO:0009768, OMIM 257850.

Submission:

Labcorp Genetics (formerly Invitae), Labcorp
Classification: Pathogenic for Oculodentodigital dysplasia, autosomal recessive. Last evaluated: 2024-01-25. Review status: criteria provided, single submitter. Criteria: Invitae Variant Classification Sherloc (09022015). Collection method: clinical testing. Allele origin: germline.
Comment: This sequence change replaces leucine, which is neutral and non-polar, with histidine, which is basic and polar, at codon 11 of the GJA1 protein (p.Leu11His). This variant is not present in population databases (gnomAD no frequency). This missense change has been observed in individual(s) with clinical features of GJA1-related conditions. (Invitae). In at least one individual the variant was observed to be de novo. Advanced modeling of protein sequence and biophysical properties (such as structural, functional, and spatial information, amino acid conservation, physicochemical variation, residue mobility, and thermodynamic stability) performed at Invitae indicates that this missense variant is expected to disrupt GJA1 protein function with a positive predictive value of 80%. This variant disrupts the p.Leu11 amino acid residue in GJA1. Other variant(s) that disrupt this residue have been determined to be pathogenic (PMID: 16709485, 19638688, 28258662). This suggests that this residue is clinically significant, and that variants that disrupt this residue are likely to be disease-causing. For these reasons, this variant has been classified as Pathogenic.

Literature cited by the submitters: PubMed 16709485; PubMed 19638688; PubMed 28258662.

NM_000165.5(GJA1):c.32T>A (p.Leu11His)

Gene: GJA1 (gap junction protein alpha 1; plus strand). Cytogenetic location: 6q22.31.
Variant type: single nucleotide variant.
Coding change: c.32T>A on transcript NM_000165.5 (MANE Select); coding-DNA position 32, T replaced by A.
Protein change: p.Leu11His; replaces leucine 11 with histidine.
Molecular consequence: missense variant.
Genome position (GRCh38, 1-based): chr6:121,446,879, T>A. VCF-style: chr6-121446879-T-A. GRCh37 (hg19) VCF-style: chr6-121768025-T-A.
Other names: short protein forms L11H.
Identifiers: ClinVar variation 2705428 (VCV002705428.3), dbSNP rs121912969, ClinGen allele CA365557771.
Genomic context (GRCh38, chr6:121,446,879, plus strand): 5'-TTGTTTCTTTCAGGTGGTGCCCAGGCAACATGGGTGACTGGAGCGCCTTAGGCAAACTCC[T>A]TGACAAGGTTCAAGCCTACTCAACTGCTGGAGGGAAGGTGTGGCTGTCAGTACTTTTCAT-3'
Protein context (NP_000156.1, residues 1-21): MGDWSALGKL[Leu11His]DKVQAYSTAG